The following is an entry in ClinVar:

ClinVar aggregate classification (germline): Likely pathogenic (1 of 4 stars; one submission).

Conditions:
Charlevoix-Saguenay spastic ataxia (SACS). Also called: AUTOSOMAL RECESSIVE SPASTIC ATAXIA OF CHARLEVOIX-SAGUENAY; Spastic ataxia of Charlevoix-Saguenay; SPASTIC ATAXIA 6, AUTOSOMAL RECESSIVE. Identifiers: Orphanet 98, MedGen C1849140, MONDO:0010041, OMIM 270550.

Submission:

PROSPAX: an integrated multimodal progression  chart in spastic ataxias, Center for Neurology; Hertie-Institute for Clinical Brain Research
Classification: Likely pathogenic for Charlevoix-Saguenay spastic ataxia. Last evaluated: 2022-01-01. Review status: criteria provided, single submitter. Criteria: ACMG Guidelines, 2015. Collection method: research. Allele origin: germline. Affected: yes.
Comment: Variant seen in compound het: [c.12022_12031delinsAATGAAC;c.9561_9564del]

NM_014363.6(SACS):c.12022_12031delinsAATGAAC (p.Ser4008_Phe4011delinsAsnGluLeu)

Gene: SACS (sacsin molecular chaperone; minus strand). Cytogenetic location: 13q12.12.
Variant type: Indel.
Coding change: c.12022_12031delinsAATGAAC on transcript NM_014363.6 (MANE Select); coding-DNA positions 12022 to 12031, TCTGAACAGT replaced by AATGAAC.
Protein change: p.Ser4008_Phe4011delinsAsnGluLeu.
Molecular consequence: inframe indel.
Genome position (GRCh38, 1-based): chr13:23,331,845-23,331,854, ACTGTTCAGA replaced by GTTCATT on the plus strand (TCTGAACAGT replaced by AATGAAC on the coding strand, the reverse complement: SACS is on the minus strand). VCF-style: chr13-23331845-ACTGTTCAGA-GTTCATT. GRCh37 (hg19) VCF-style: chr13-23905984-ACTGTTCAGA-GTTCATT.
Other names: c.11581_11590delinsAATGAAC, p.Ser3861_Phe3864delinsAsnGluLeu (NM_001278055.2).
Identifiers: ClinVar variation 3242492 (VCV003242492.1).